The following is an entry in ClinVar:

ClinVar aggregate classification (germline): Pathogenic/Likely pathogenic. Review status: criteria provided, multiple submitters, no conflicts (2 of 4 stars). 6 submissions from 6 submitters: Pathogenic (5); Likely pathogenic (1). Last evaluated 2025-04-03.

Conditions:
Hereditary nonpolyposis colorectal neoplasms. Identifiers: MedGen C0009405, MeSH D003123.
Hereditary cancer-predisposing syndrome. Also called: Tumor predisposition; Hereditary neoplastic syndrome; Neoplastic Syndromes, Hereditary; Hereditary Cancer Syndrome. Identifiers: Orphanet 140162, MedGen C0027672, MeSH D009386, MONDO:0015356.
Lynch syndrome 5 (LYNCH5). Also called: Colorectal cancer, hereditary nonpolyposis, type 5; Hereditary non-polyposis colorectal cancer, type 5. Identifiers: Orphanet 144, MedGen C1833477, MONDO:0013710, OMIM 614350. Disease mechanism: loss of function.
Endometrial carcinoma. Also called: Endometrial carcinoma, somatic. Identifiers: MedGen C0476089, MONDO:0002447, OMIM 608089, HP:0012114.

Submissions (6):

Ambry Genetics
Classification: Pathogenic for Hereditary cancer-predisposing syndrome. Last evaluated: 2025-04-03. Review status: criteria provided, single submitter. Criteria: Ambry Variant Classification Scheme 2023. Collection method: clinical testing. Allele origin: germline.
Comment: The p.L1150* pathogenic mutation (also known as c.3449T>A), located in coding exon 6 of the MSH6 gene, results from a T to A substitution at nucleotide position 3449. This changes the amino acid from a leucine to a stop codon within coding exon 6. This variant is considered to be rare based on population cohorts in the Genome Aggregation Database (gnomAD). This alteration is expected to result in loss of function by premature protein truncation or nonsense-mediated mRNA decay. As such, this alteration is interpreted as a disease-causing mutation.

Labcorp Genetics (formerly Invitae), Labcorp
Classification: Pathogenic for Hereditary nonpolyposis colorectal neoplasms. Last evaluated: 2024-10-06. Review status: criteria provided, single submitter. Criteria: Invitae Variant Classification Sherloc (09022015). Collection method: clinical testing. Allele origin: germline.
Comment: This sequence change creates a premature translational stop signal (p.Leu1150*) in the MSH6 gene. It is expected to result in an absent or disrupted protein product. Loss-of-function variants in MSH6 are known to be pathogenic (PMID: 18269114, 24362816). This variant is not present in population databases (gnomAD no frequency). This variant has not been reported in the literature in individuals affected with MSH6-related conditions. ClinVar contains an entry for this variant (Variation ID: 372413). For these reasons, this variant has been classified as Pathogenic.

GeneDx
Classification: Pathogenic. Last evaluated: 2024-03-03. Review status: criteria provided, single submitter. Criteria: GeneDx Variant Classification Process June 2021. Collection method: clinical testing. Allele origin: germline. Affected: yes.
Comment: Nonsense variant predicted to result in protein truncation or nonsense mediated decay in a gene for which loss of function is a known mechanism of disease; Not observed at significant frequency in large population cohorts (gnomAD); Truncating variants in this gene are considered pathogenic by a well-established clinical consortium and/or database; Has not been previously published as pathogenic or benign to our knowledge; This variant is associated with the following publications: (PMID: 30787465)

Myriad Genetics, Inc.
Classification: Pathogenic for Lynch syndrome 5. Last evaluated: 2023-08-23. Review status: criteria provided, single submitter. Criteria: Myriad Autosomal Dominant, Autosomal Recessive and X-Linked Classification Criteria (2023). Collection method: clinical testing. Allele origin: unknown.
Comment: This variant is considered pathogenic. This variant creates a termination codon and is predicted to result in premature protein truncation.

Baylor Genetics
Classification: Likely pathogenic for Endometrial carcinoma. Last evaluated: 2023-07-13. Review status: criteria provided, single submitter. Criteria: ACMG Guidelines, 2015. Collection method: clinical testing. Allele origin: unknown.

Color Diagnostics, LLC DBA Color Health
Classification: Pathogenic for Hereditary cancer-predisposing syndrome. Last evaluated: 2021-04-21. Review status: criteria provided, single submitter. Criteria: ACMG Guidelines, 2015. Collection method: clinical testing. Allele origin: germline.
Comment: This variant changes 1 nucleotide in exon 6 of the MSH6 gene, creating a premature translation stop signal. This variant is expected to result in an absent or non-functional protein product. To our knowledge, this variant has not been reported in individuals affected with hereditary cancer in the literature. This variant has not been identified in the general population by the Genome Aggregation Database (gnomAD). Loss of MSH6 function is a known mechanism of disease. Based on the available evidence, this variant is classified as Pathogenic.

Literature cited by the submitters: PubMed 18269114 (cited by Labcorp Genetics (formerly Invitae), Labcorp); PubMed 24362816 (cited by Labcorp Genetics (formerly Invitae), Labcorp).

NM_000179.3(MSH6):c.3449T>A (p.Leu1150Ter)

Gene: MSH6 (mutS homolog 6; plus strand). Cytogenetic location: 2p16.3.
Variant type: single nucleotide variant.
Coding change: c.3449T>A on transcript NM_000179.3 (MANE Select); coding-DNA position 3449, T replaced by A.
Protein change: p.Leu1150Ter; replaces leucine 1150 with a stop codon.
Molecular consequence: nonsense.
Genome position (GRCh38, 1-based): chr2:47,804,920, T>A. VCF-style: chr2-47804920-T-A. GRCh37 (hg19) VCF-style: chr2-48032059-T-A.
Other names: c.3059T>A, p.Leu1020Ter (NM_001281492.2); c.2543T>A, p.Leu848Ter (NM_001281493.2, NM_001281494.2); short protein forms L1150*, L1020*, L848*.
Identifiers: ClinVar variation 372413 (VCV000372413.21), dbSNP rs1057517763, ClinGen allele CA16042488.